The following is an entry in ClinVar:

ClinVar aggregate classification (germline): Uncertain significance (1 of 4 stars; one submission).

Submission:

Ambry Genetics
Classification: Uncertain significance. Last evaluated: 2023-07-27. Review status: criteria provided, single submitter. Criteria: Ambry Variant Classification Scheme 2023. Collection method: clinical testing. Allele origin: germline.
Comment: The p.V351M variant (also known as c.1051G>A), located in coding exon 5 of the MNDA gene, results from a G to A substitution at nucleotide position 1051. The valine at codon 351 is replaced by methionine, an amino acid with highly similar properties. This amino acid position is conserved. In addition, this alteration is predicted to be tolerated by in silico analysis. Since supporting evidence is limited at this time, the clinical significance of this alteration remains unclear.

NM_002432.3(MNDA):c.1051G>A (p.Val351Met)

Gene: MNDA (myeloid cell nuclear differentiation antigen; plus strand). Cytogenetic location: 1q23.1.
Variant type: single nucleotide variant.
Coding change: c.1051G>A on transcript NM_002432.3 (MANE Select); coding-DNA position 1051, G replaced by A.
Protein change: p.Val351Met; replaces valine 351 with methionine.
Molecular consequence: missense variant.
Genome position (GRCh38, 1-based): chr1:158,847,791, G>A. VCF-style: chr1-158847791-G-A. GRCh37 (hg19) VCF-style: chr1-158817581-G-A.
Other names: short protein forms V351M.
Identifiers: ClinVar variation 2625385 (VCV002625385.2), dbSNP rs1558058896, ClinGen allele CA343044037.